The following is an entry in ClinVar:

NM_001447.3(FAT2):c.2486T>A (p.Ile829Asn)

Gene: FAT2 (FAT atypical cadherin 2; minus strand). Cytogenetic location: 5q33.1.
Variant type: single nucleotide variant.
Coding change: c.2486T>A on transcript NM_001447.3 (MANE Select); coding-DNA position 2486, T replaced by A.
Protein change: p.Ile829Asn; replaces isoleucine 829 with asparagine.
Molecular consequence: missense variant.
Genome position (GRCh38, 1-based): chr5:151,566,446, A>T on the plus strand (T>A on the coding strand, the complement: FAT2 is on the minus strand). VCF-style: chr5-151566446-A-T. GRCh37 (hg19) VCF-style: chr5-150946007-A-T.
Other names: short protein forms I829N.
Identifiers: ClinVar variation 2798562 (VCV002798562.3), dbSNP rs747755497, ClinGen allele CA3522061.

ClinVar aggregate classification (germline): Uncertain significance (1 of 4 stars; one submission).

Allele frequency attached by ClinVar (database versions not stated): ExAC 0.00001.
gnomAD v4.1: 1 of 1,613,208 alleles (0.000062%); highest among the groups gnomAD compares: Admixed American, 0.0017%; no homozygotes.

Submission:

Labcorp Genetics (formerly Invitae), Labcorp
Classification: Uncertain significance. Last evaluated: 2023-04-18. Review status: criteria provided, single submitter. Criteria: Invitae Variant Classification Sherloc (09022015). Collection method: clinical testing. Allele origin: germline.
Comment: This variant is present in population databases (rs747755497, gnomAD 0.006%). In summary, the available evidence is currently insufficient to determine the role of this variant in disease. Therefore, it has been classified as a Variant of Uncertain Significance. Advanced modeling of protein sequence and biophysical properties (such as structural, functional, and spatial information, amino acid conservation, physicochemical variation, residue mobility, and thermodynamic stability) performed at Invitae indicates that this missense variant is expected to disrupt FAT2 protein function. This variant has not been reported in the literature in individuals affected with FAT2-related conditions. This sequence change replaces isoleucine, which is neutral and non-polar, with asparagine, which is neutral and polar, at codon 829 of the FAT2 protein (p.Ile829Asn).